The following is an entry in ClinVar:

ClinVar aggregate classification (germline): Uncertain significance (1 of 4 stars; one submission).

Conditions:
Cutis laxa, autosomal dominant 3 (ADCL3). Identifiers: Orphanet 90348, MedGen C4225268, MONDO:0014706, OMIM 616603.
Autosomal dominant spastic paraplegia type 9. Identifiers: MedGen C1832669, MONDO:0015091.
de Barsy syndrome. Also called: Cutis laxa-corneal clouding-oligophrenia syndrome. Identifiers: Orphanet 2962, MedGen C0268354, MONDO:0017569.

Submission:

Labcorp Genetics (formerly Invitae), Labcorp
Classification: Uncertain significance for Autosomal dominant spastic paraplegia type 9; de Barsy syndrome; Cutis laxa, autosomal dominant 3. Last evaluated: 2022-03-06. Review status: criteria provided, single submitter. Criteria: Invitae Variant Classification Sherloc (09022015). Collection method: clinical testing. Allele origin: germline.
Comment: In summary, the available evidence is currently insufficient to determine the role of this variant in disease. Therefore, it has been classified as a Variant of Uncertain Significance. This sequence change falls in intron 6 of the ALDH18A1 gene. It does not directly change the encoded amino acid sequence of the ALDH18A1 protein. This variant is not present in population databases (gnomAD no frequency). This variant has not been reported in the literature in individuals affected with ALDH18A1-related conditions. Algorithms developed to predict the effect of sequence changes on RNA splicing suggest that this variant may disrupt the consensus splice site.

NM_002860.4(ALDH18A1):c.717+9A>C

Gene: ALDH18A1 (aldehyde dehydrogenase 18 family member A1; minus strand). Cytogenetic location: 10q24.1.
Variant type: single nucleotide variant.
Coding change: c.717+9A>C on transcript NM_002860.4 (MANE Select); 9 bases into the intron after coding-DNA position 717, A replaced by C.
Molecular consequence: intron variant.
Genome position (GRCh38, 1-based): chr10:95,633,482, T>G on the plus strand (A>C on the coding strand, the complement: ALDH18A1 is on the minus strand). VCF-style: chr10-95633482-T-G. GRCh37 (hg19) VCF-style: chr10-97393239-T-G.
Other names: c.81+9A>C (NM_001323419.2); c.384+9A>C (NM_001323412.2, NM_001323416.2); c.612+9A>C (NM_001323417.2); c.711+15A>C (NM_001017423.2, NM_001323415.2); c.378+15A>C (NM_001323418.2); c.717+9A>C (NM_001323413.2, NM_001323414.2).
Identifiers: ClinVar variation 2103612 (VCV002103612.4), dbSNP rs2526872065, ClinGen allele CA2580082576.